The following is an entry in ClinVar:

NM_016008.4(DYNC2LI1):c.731+3A>G

Gene: DYNC2LI1 (dynein cytoplasmic 2 light intermediate chain 1; plus strand). Cytogenetic location: 2p21.
Variant type: single nucleotide variant.
Coding change: c.731+3A>G on transcript NM_016008.4 (MANE Select); 3 bases into the intron after coding-DNA position 731, A replaced by G.
Molecular consequence: intron variant.
Genome position (GRCh38, 1-based): chr2:43,800,920, A>G. VCF-style: chr2-43800920-A-G. GRCh37 (hg19) VCF-style: chr2-44028059-A-G.
Other names: c.734+3A>G (NM_001348913.2, NM_001193464.2); c.731+3A>G (NM_001348912.2).
Identifiers: ClinVar variation 2053490 (VCV002053490.4), dbSNP rs376402052, ClinGen allele CA1635974.

ClinVar aggregate classification (germline): Uncertain significance (1 of 4 stars; one submission).

Allele frequency attached by ClinVar (database versions not stated): gnomAD exomes below 0.00001; TOPMed below 0.00001; ExAC 0.00001; ESP Exome Variant Server 0.00008.
gnomAD v4.1: 2 of 1,578,236 alleles (0.00013%); highest among the groups gnomAD compares: African/African-American, 0.0014%; no homozygotes.

Submission:

Labcorp Genetics (formerly Invitae), Labcorp
Classification: Uncertain significance. Last evaluated: 2021-12-22. Review status: criteria provided, single submitter. Criteria: Invitae Variant Classification Sherloc (09022015). Collection method: clinical testing. Allele origin: germline.
Comment: This sequence change falls in intron 9 of the DYNC2LI1 gene. It does not directly change the encoded amino acid sequence of the DYNC2LI1 protein. It affects a nucleotide within the consensus splice site. This variant is present in population databases (rs376402052, gnomAD 0.007%). This variant has not been reported in the literature in individuals affected with DYNC2LI1-related conditions. Variants that disrupt the consensus splice site are a relatively common cause of aberrant splicing (PMID: 17576681, 9536098). Algorithms developed to predict the effect of sequence changes on RNA splicing suggest that this variant may disrupt the consensus splice site. In summary, the available evidence is currently insufficient to determine the role of this variant in disease. Therefore, it has been classified as a Variant of Uncertain Significance.

Literature cited by the submitters: PubMed 17576681; PubMed 9536098.